The following is an entry in ClinVar:

NM_006576.4(AVIL):c.895G>A (p.Gly299Arg)

Gene: AVIL (advillin; minus strand). Cytogenetic location: 12q14.1.
Variant type: single nucleotide variant.
Coding change: c.895G>A on transcript NM_006576.4 (MANE Select); coding-DNA position 895, G replaced by A.
Protein change: p.Gly299Arg; replaces glycine 299 with arginine.
Molecular consequence: missense variant.
Genome position (GRCh38, 1-based): chr12:57,809,641, C>T on the plus strand (G>A on the coding strand, the complement: AVIL is on the minus strand). VCF-style: chr12-57809641-C-T. GRCh37 (hg19) VCF-style: chr12-58203424-C-T.
Other names: short protein forms G299R.
Identifiers: ClinVar variation 3056012 (VCV003056012.2), dbSNP rs143765749, ClinGen allele CA6660024.

ClinVar aggregate classification (germline): Likely benign (0 of 4 stars; one submission).

Conditions:
AVIL-related disorder. Also called: AVIL-related condition.

Allele frequency attached by ClinVar (database versions not stated): TOPMed 0.00036; gnomAD 0.00050; 1000 Genomes Project 0.00060; 1000 Genomes Project 30x 0.00062; ExAC 0.00076; gnomAD exomes 0.00082.
gnomAD v4.1: 1,267 of 1,614,232 alleles (0.078%); highest among the groups gnomAD compares: South Asian, 0.12%; 4 homozygotes.

Submission:

PreventionGenetics, part of Exact Sciences
Classification: Likely benign for AVIL-related condition. Last evaluated: 2022-12-16. Review status: no assertion criteria provided. Collection method: clinical testing. Allele origin: germline.
Comment: This variant is classified as likely benign based on ACMG/AMP sequence variant interpretation guidelines (Richards et al. 2015 PMID: 25741868, with internal and published modifications).